The following is an entry in ClinVar:

NM_001358921.2(COQ2):c.572T>G (p.Leu191Arg)

Gene: COQ2 (coenzyme Q2, polyprenyltransferase; minus strand). Cytogenetic location: 4q21.23.
Variant type: single nucleotide variant.
Coding change: c.572T>G on transcript NM_001358921.2 (MANE Select); coding-DNA position 572, T replaced by G.
Protein change: p.Leu191Arg; replaces leucine 191 with arginine.
Molecular consequence: missense variant.
Genome position (GRCh38, 1-based): chr4:83,272,143, A>C on the plus strand (T>G on the coding strand, the complement: COQ2 is on the minus strand). VCF-style: chr4-83272143-A-C. GRCh37 (hg19) VCF-style: chr4-84193296-A-C.
Other names: c.722T>G, p.Leu241Arg (NM_015697.9); c.722T>G (NM_015697.7); short protein forms L241R, L191R.
Identifiers: ClinVar variation 1955145 (VCV001955145.6), dbSNP rs765374946, ClinGen allele CA357230067.

ClinVar aggregate classification (germline): Uncertain significance. Review status: criteria provided, multiple submitters, no conflicts (2 of 4 stars). 3 submissions from 3 submitters: Uncertain significance (3). Last evaluated 2025-08-14.

Conditions:
Inborn genetic diseases. Identifiers: MedGen C0950123, MeSH D030342.

Allele frequency attached by ClinVar (database versions not stated): TOPMed 0.00001.

Submissions (3):

Ambry Genetics
Classification: Uncertain significance for Inborn genetic diseases. Last evaluated: 2025-08-14. Review status: criteria provided, single submitter. Criteria: Ambry Variant Classification Scheme 2023. Collection method: clinical testing. Allele origin: germline.

Labcorp Genetics (formerly Invitae), Labcorp
Classification: Uncertain significance. Last evaluated: 2024-05-09. Review status: criteria provided, single submitter. Criteria: Invitae Variant Classification Sherloc (09022015). Collection method: clinical testing. Allele origin: germline.
Comment: This sequence change replaces leucine, which is neutral and non-polar, with arginine, which is basic and polar, at codon 241 of the COQ2 protein (p.Leu241Arg). This variant is present in population databases (no rsID available, gnomAD 0.0009%). This variant has not been reported in the literature in individuals affected with COQ2-related conditions. ClinVar contains an entry for this variant (Variation ID: 1955145). Advanced modeling of protein sequence and biophysical properties (such as structural, functional, and spatial information, amino acid conservation, physicochemical variation, residue mobility, and thermodynamic stability) performed at Invitae indicates that this missense variant is expected to disrupt COQ2 protein function with a positive predictive value of 80%. In summary, the available evidence is currently insufficient to determine the role of this variant in disease. Therefore, it has been classified as a Variant of Uncertain Significance.

Blueprint Genetics
Classification: Uncertain significance. Last evaluated: 2023-01-05. Review status: criteria provided, single submitter. Criteria: ACMG Guidelines, 2015. Collection method: clinical testing. Allele origin: germline.